The following is an entry in ClinVar:

NM_005002.5(NDUFA9):c.50-301A>G

Gene: NDUFA9 (NADH:ubiquinone oxidoreductase subunit A9; plus strand). Cytogenetic location: 12p13.32.
Variant type: single nucleotide variant.
Coding change: c.50-301A>G on transcript NM_005002.5 (MANE Select); 301 bases into the intron before coding-DNA position 50, A replaced by G.
Molecular consequence: intron variant.
Genome position (GRCh38, 1-based): chr12:4,653,991, A>G. VCF-style: chr12-4653991-A-G. GRCh37 (hg19) VCF-style: chr12-4763157-A-G.
Identifiers: ClinVar variation 673202 (VCV000673202.1), dbSNP rs113630331, ClinGen allele CA231817428.
Genomic context (GRCh38, chr12:4,653,991, plus strand): 5'-TTTATCCAGGAATACTTCCTCATGGTAATGTGATTTATTGCTCATTTATTACATATTCTC[A>G]GTTCCTTTTACCGTATAGGCTTATGCTTTCCTACTTTGTGACTGTTTAATATGTTTTTTA-3'

ClinVar aggregate classification (germline): Benign (1 of 4 stars; one submission).

Allele frequency attached by ClinVar (database versions not stated): gnomAD 0.01660 and 0.01784; TOPMed 0.01977; 1000 Genomes Project 0.02017; 1000 Genomes Project 30x 0.02202.
gnomAD v4.1: 2,504 of 151,856 alleles (1.6%); highest among the groups gnomAD compares: African/African-American, 5.5%; 55 homozygotes.

Submission:

GeneDx
Classification: Benign. Last evaluated: 2018-06-14. Review status: criteria provided, single submitter. Criteria: GeneDx Variant Classification (06012015). Collection method: clinical testing. Allele origin: germline. Affected: yes.
Comment: This variant is considered likely benign or benign based on one or more of the following criteria: it is a conservative change, it occurs at a poorly conserved position in the protein, it is predicted to be benign by multiple in silico algorithms, and/or has population frequency not consistent with disease.